The following is an entry in ClinVar:

ClinVar aggregate classification (germline): Uncertain significance (1 of 4 stars; one submission).

Conditions:
Very long chain acyl-CoA dehydrogenase deficiency (ACADVLD). Also called: Very Long-Chain Acyl-Coenzyme A Dehydrogenase Deficiency; VLCAD Deficiency. Identifiers: Orphanet 26793, MedGen C3887523, MONDO:0008723, OMIM 201475.

Allele frequency attached by ClinVar (database versions not stated): gnomAD exomes below 0.00001 and 0.00001; ExAC 0.00001.
gnomAD v4.1: 2 of 1,613,834 alleles (0.00012%); highest among the groups gnomAD compares: Admixed American, 0.0033%; no homozygotes.

Submission:

Wong Mito Lab, Molecular and Human Genetics, Baylor College of Medicine
Classification: Uncertain significance for Very long chain acyl-CoA dehydrogenase deficiency. Last evaluated: 2019-11-01. Review status: criteria provided, single submitter. Criteria: ACMG Guidelines, 2015. Collection method: clinical testing. Allele origin: germline.
Comment: The NM_000018.3:c.1333-13G>A (NP_000009.1:p.?) [GRCH38: NC_000017.11:g.7223955G>A] variant in ACADVL gene is interpretated to be Uncertain Significance based on ACMG guidelines (PMID: 25741868). This variant has been reported. This variant dose not meet any evidence codes reported in the ACMG guidelines.

NM_000018.4(ACADVL):c.1333-13G>A

Gene: ACADVL (acyl-CoA dehydrogenase very long chain; plus strand). Cytogenetic location: 17p13.1.
Variant type: single nucleotide variant.
Coding change: c.1333-13G>A on transcript NM_000018.4 (MANE Select); 13 bases into the intron before coding-DNA position 1333, G replaced by A.
Molecular consequence: intron variant.
Genome position (GRCh38, 1-based): chr17:7,223,955, G>A. VCF-style: chr17-7223955-G-A. GRCh37 (hg19) VCF-style: chr17-7127274-G-A.
Other names: c.1402-13G>A (NM_001270447.2); c.1105-13G>A (NM_001270448.2); c.1267-13G>A (NM_001033859.3).
Identifiers: ClinVar variation 932822 (VCV000932822.2), dbSNP rs774376862, ClinGen allele CA8338084.
Genomic context (GRCh38, chr17:7,223,955, plus strand): 5'-AGAGCCTCGGCTGGGCCAGGGGTGGGTAGGCACATCTCAGCACGGGCATATAATTTGTGT[G>A]GCCCTGTGCTAGGAACCTGGAGTAGAGCGTGTGCTCCGAGATCTTCGCATCTTCCGGATC-3'